The following is an entry in ClinVar:

NM_001098511.3(KIF2A):c.355C>G (p.Arg119Gly)

Gene: KIF2A (kinesin family member 2A; plus strand). Cytogenetic location: 5q12.1.
Variant type: single nucleotide variant.
Coding change: c.355C>G on transcript NM_001098511.3 (MANE Select); coding-DNA position 355, C replaced by G.
Protein change: p.Arg119Gly; replaces arginine 119 with glycine.
Molecular consequence: missense variant.
Genome position (GRCh38, 1-based): chr5:62,352,608, C>G. VCF-style: chr5-62352608-C-G. GRCh37 (hg19) VCF-style: chr5-61648435-C-G.
Other names: c.274C>G, p.Arg92Gly (NM_001243952.2); c.355C>G, p.Arg119Gly (NM_001243953.2, NM_004520.5); short protein forms R119G, R92G.
Identifiers: ClinVar variation 1310060 (VCV001310060.2), dbSNP rs1467202590, ClinGen allele CA359948832.

ClinVar aggregate classification (germline): Uncertain significance (1 of 4 stars; one submission).

Submission:

GeneDx
Classification: Uncertain significance. Last evaluated: 2019-09-03. Review status: criteria provided, single submitter. Criteria: GeneDx Variant Classification Process June 2021. Collection method: clinical testing. Allele origin: germline. Affected: yes.
Comment: Not observed in large population cohorts (Lek et al., 2016); In silico analysis, which includes protein predictors and evolutionary conservation, supports a deleterious effect; Has not been previously published as pathogenic or benign to our knowledge